The following is an entry in ClinVar:

ClinVar aggregate classification (germline): Benign/Likely benign. Review status: criteria provided, multiple submitters, no conflicts (2 of 4 stars). 2 submissions from 2 submitters: Benign (1); Likely benign (1). Last evaluated 2026-05-25.

Conditions:
Renal hypomagnesemia 6. Identifiers: Orphanet 34527, MedGen C3151295, MONDO:0013480, OMIM 613882.

Allele frequency attached by ClinVar (database versions not stated): gnomAD 0.00001 and 0.00013; TOPMed 0.00005; 1000 Genomes Project 0.00080; 1000 Genomes Project 30x 0.00109.

Submissions (2):

Revvity Omics, Revvity
Classification: Likely benign. Last evaluated: 2026-05-25. Review status: criteria provided, single submitter. Criteria: ACMG Guidelines, 2015. Collection method: clinical testing. Allele origin: germline.

Illumina Laboratory Services, Illumina
Classification: Benign for Renal hypomagnesemia 6. Last evaluated: 2018-01-12. Review status: criteria provided, single submitter. Criteria: ICSL Variant Classification Criteria 13 December 2019. Collection method: clinical testing. Allele origin: germline.
Comment: This variant was observed in the ICSL laboratory as part of a predisposition screen in an ostensibly healthy population. It had not been previously curated by ICSL or reported in the Human Gene Mutation Database (HGMD: prior to June 1st, 2018), and was therefore a candidate for classification through an automated scoring system. Utilizing variant allele frequency, disease prevalence and penetrance estimates, and inheritance mode, an automated score was calculated to assess if this variant is too frequent to cause the disease. Based on the score and internal cut-off values, a variant classified as benign is not then subjected to further curation. The score for this variant resulted in a classification of benign for this disease.

NM_017649.5(CNNM2):c.*1246G>C

Gene: CNNM2 (cyclin and CBS domain divalent metal cation transport mediator 2; plus strand). Cytogenetic location: 10q24.32.
Variant type: single nucleotide variant.
Coding change: c.*1246G>C on transcript NM_017649.5 (MANE Select); 1246 bases downstream of the stop codon, G replaced by C.
Molecular consequence: 3 prime UTR variant.
Genome position (GRCh38, 1-based): chr10:103,078,426, G>C. VCF-style: chr10-103078426-G-C. GRCh37 (hg19) VCF-style: chr10-104838183-G-C.
Other names: c.*1246G>C (NM_199076.3).
Identifiers: ClinVar variation 298669 (VCV000298669.6), dbSNP rs553490290, ClinGen allele CA10627982.